The following is an entry in ClinVar:

NM_024741.3(ZNF408):c.1898C>T (p.Ala633Val)

Gene: ZNF408 (zinc finger protein 408; plus strand). Cytogenetic location: 11p11.2.
Variant type: single nucleotide variant.
Coding change: c.1898C>T on transcript NM_024741.3 (MANE Select); coding-DNA position 1898, C replaced by T.
Protein change: p.Ala633Val; replaces alanine 633 with valine.
Molecular consequence: missense variant.
Genome position (GRCh38, 1-based): chr11:46,705,598, C>T. VCF-style: chr11-46705598-C-T. GRCh37 (hg19) VCF-style: chr11-46727148-C-T.
Other names: c.1874C>T, p.Ala625Val (NM_001184751.2); short protein forms A625V, A633V.
Identifiers: ClinVar variation 2112604 (VCV002112604.4), dbSNP rs535812682, ClinGen allele CA5966669.

ClinVar aggregate classification (germline): Uncertain significance (1 of 4 stars; one submission).

Allele frequency attached by ClinVar (database versions not stated): TOPMed below 0.00001; ExAC 0.00001; gnomAD 0.00001; gnomAD exomes 0.00001; 1000 Genomes Project 30x 0.00016; 1000 Genomes Project 0.00020.

Submission:

Labcorp Genetics (formerly Invitae), Labcorp
Classification: Uncertain significance. Last evaluated: 2022-08-12. Review status: criteria provided, single submitter. Criteria: Invitae Variant Classification Sherloc (09022015). Collection method: clinical testing. Allele origin: germline.
Comment: This sequence change replaces alanine, which is neutral and non-polar, with valine, which is neutral and non-polar, at codon 633 of the ZNF408 protein (p.Ala633Val). This variant is present in population databases (rs535812682, gnomAD 0.002%). This variant has not been reported in the literature in individuals affected with ZNF408-related conditions. Algorithms developed to predict the effect of missense changes on protein structure and function output the following: SIFT: "Tolerated"; PolyPhen-2: "Benign"; Align-GVGD: "Class C0". The valine amino acid residue is found in multiple mammalian species, which suggests that this missense change does not adversely affect protein function. In summary, the available evidence is currently insufficient to determine the role of this variant in disease. Therefore, it has been classified as a Variant of Uncertain Significance.